The following is an entry in ClinVar:

ClinVar aggregate classification (germline): Likely pathogenic (1 of 4 stars; one submission).

Conditions:
Alport syndrome. Also called: Hemorrhagic familial nephritis; Hemorrhagic hereditary nephritis; Congenital hereditary hematuria. Identifiers: Orphanet 63, MedGen C1567741, MONDO:0018965.

Submission:

Natera, Inc.
Classification: Likely pathogenic for Alport syndrome. Last evaluated: 2025-06-08. Review status: criteria provided, single submitter. Criteria: Natera Variant Classification Schema (03/2026). Collection method: clinical testing. Allele origin: germline.
Comment: The c.4232del variant in COL4A4 is a frameshift variant predicted to shift the reading frame beginning at codon 1411 and leads to a stop codon 141 codons downstream. This variant is expected to result in nonsense mediated decay, truncation, or a dysfunctional protein product. This variant is rare in the general population with a frequency below the threshold expected for the associated phenotype(s). Given the available evidence, this variant is classified as Likely Pathogenic.

NM_000092.5(COL4A4):c.4232del (p.Pro1411fs)

Gene: COL4A4 (collagen type IV alpha 4 chain; minus strand). Cytogenetic location: 2q36.3.
Variant type: Deletion.
Coding change: c.4232del on transcript NM_000092.5 (MANE Select); coding-DNA position 4232, one base deleted (C; older notation c.4232delC).
Protein change: p.Pro1411fs; shifts the reading frame from proline 1411.
Molecular consequence: frameshift variant.
Genome position (GRCh38, 1-based): chr2:227,012,282, G deleted on the plus strand (C on the coding strand, the reverse complement: COL4A4 is on the minus strand); the first of 2 consecutive G bases (chr2:227,012,282-227,012,283); deleting either gives the same sequence. VCF-style (leftmost placement, unchanged base first): chr2-227012281-AG-A. GRCh37 (hg19) VCF-style: chr2-227876997-AG-A.
Other names: c.4231delC, p.Pro1411Leufs (NM_000092.4); short protein forms P1411fs.
Identifiers: ClinVar variation 4817342 (VCV004817342.1).